The following is an entry in ClinVar:

ClinVar aggregate classification (germline): Pathogenic/Likely pathogenic. Review status: criteria provided, multiple submitters, no conflicts (2 of 4 stars). 12 submissions from 12 submitters: Pathogenic (10); Likely pathogenic (1). 1 of the submissions does not count toward it. Last evaluated 2026-09-08.

Conditions:
Hypodontia. Also called: Partial congenital absence of teeth; Tooth agenesis, selective. Identifiers: Orphanet 99798, MedGen C0020608, MONDO:0005486, HP:0000668. Disease mechanism: loss of function.
Developmental and epileptic encephalopathy, 35 (DEE35). Also called: Epileptic encephalopathy, early infantile, 35. Identifiers: Orphanet 457375, MedGen C4225256, MONDO:0014719, OMIM 616647.
Inosine triphosphatase deficiency. Also called: INOSINE TRIPHOSPHATE PYROPHOSPHOHYDROLASE DEFICIENCY. Identifiers: MedGen C0342800, MONDO:0013461, OMIM 613850.

Submissions (12):

GeneDx
Classification: Likely pathogenic. Last evaluated: 2026-09-08. Review status: criteria provided, single submitter. Criteria: GeneDx Variant Classification Process June 2021. Collection method: clinical testing. Allele origin: germline.
Comment: Seen in the compound heterozygous state in a patient with clinical features consistent with ITPA-related developmental and epileptic encephalopathy in the published literature (PMID: 30542205, 34989426); Frameshift variant predicted to result in protein elongation, as the last 72 amino acids are replaced with 103 different amino acids, and other loss-of-function variants have been reported downstream in the Human Gene Mutation Database (HGMD); This variant is associated with the following publications: (PMID: 17304144, 27770805, 30816001, 26224535, 34989426, 30542205)

Labcorp Genetics (formerly Invitae), Labcorp
Classification: Pathogenic for Inosine triphosphatase deficiency. Last evaluated: 2026-01-26. Review status: criteria provided, single submitter. Criteria: Invitae Variant Classification Sherloc (09022015). Collection method: clinical testing. Allele origin: germline.
Comment: This sequence change is expected to alter the c-terminus of the ITPA protein (p.Gly123Serfs*104). While this is not anticipated to result in nonsense mediated decay, it is expected to disrupt the last 72 amino acid(s) of the ITPA protein and extend the protein by 31 additional amino acid residues. This variant is present in population databases (rs763029259, gnomAD 0.01%). This frameshift has been observed in individual(s) with ITPA-related conditions (PMID: 26224535). ClinVar contains an entry for this variant (Variation ID: 218091). This variant disrupts a region of the ITPA protein in which other variant(s) (p.Trp151*) have been determined to be pathogenic (PMID: 26224535, 30856165). This suggests that this is a clinically significant region of the protein, and that variants that disrupt it are likely to be disease-causing. For these reasons, this variant has been classified as Pathogenic.

First Genomix Gene Laboratory, Genetic Diagnostics Department
Classification: Pathogenic for Developmental and epileptic encephalopathy, 35. Last evaluated: 2025-07-16. Review status: criteria provided, single submitter. Criteria: ACMG Guidelines, 2015. Collection method: clinical testing. Allele origin: germline. Inheritance: Autosomal recessive inheritance. Affected: no. Observed: 1 variant allele.

Laboratory of Genetics, Children's Clinical University Hospital Latvia
Classification: Pathogenic. Last evaluated: 2025-02-16. Review status: criteria provided, single submitter. Criteria: ACMG Guidelines, 2015. Collection method: clinical testing. Allele origin: germline. Affected: yes.

3billion
Classification: Pathogenic for Developmental and epileptic encephalopathy, 35. Last evaluated: 2024-12-16. Review status: criteria provided, single submitter. Criteria: ACMG Guidelines, 2015. Collection method: clinical testing. Allele origin: germline. Affected: yes.
Comment: The variant is observed at an extremely low frequency in the gnomAD v4.1.0 dataset (total allele frequency: 0.004%). Predicted Consequence/Location: Frameshift: predicted to result in a loss or disruption of normal protein function through nonsense-mediated decay (NMD) or protein truncation. Multiple pathogenic variants are reported downstream of the variant. The variant has been reported at least twice as pathogenic with clinical assertions and evidence for the classification (ClinVar ID: VCV000218091). Therefore, this variant is classified as Pathogenic according to the recommendation of ACMG/AMP guideline.

Victorian Clinical Genetics Services, Murdoch Childrens Research Institute
Classification: Pathogenic for Developmental and epileptic encephalopathy, 35. Last evaluated: 2023-12-21. Review status: criteria provided, single submitter. Criteria: ACMG Guidelines, 2015. Collection method: clinical testing. Allele origin: germline. Inheritance: Autosomal recessive inheritance. Affected: yes.
Comment: Based on the classification scheme VCGS_Germline_v1.3.4, this variant is classified as Pathogenic. Following criteria are met: 0102 - Loss of function is a known mechanism of disease in this gene and is associated with developmental and epileptic encephalopathy 35 (MIM#616647). (I) 0106 - This gene is associated with autosomal recessive disease. (I) 0208 - Variant is predicted to result in an elongated protein. (SP) 0251 - This variant is heterozygous. (I) 0304 - Variant is present in gnomAD (v2) <0.01 for a recessive condition (10 heterozygotes, 0 homozygotes). (SP) 0600 - Variant affects part of the annotated Ham1 family domain (DECIPHER). (I) 0704 - Another protein elongation variant comparable to the one identified in this case has limited previous evidence for pathogenicity. This variant has been reported twice as likely pathogenic and pathogenic, while other elongations found further downstream have been reported as VUS (ClinVar). (SP) 0801 - This variant has strong previous evidence of pathogenicity in unrelated individuals. This variant has been reported multiple times as likely pathogenic and pathogenic, and observed in compound heterozygous and homozygous individuals with early-infantile epileptic encephalopathy, atypical cerebral palsy or myotonic seizures with microcephaly and global developmental delay (ClinVar, PMID: 26224535, PMID: 30542205, PMID: 34989426). (SP) 1001 - This variant has strong functional evidence supporting abnormal protein function. Fibroblasts from a homozygous individual had only 2.9% residual enzyme activity (PMID: 26224535). (SP) 1201 - Heterozygous variant detected in trans with a likely pathogenic heterozygous variant (p.(Asp109Tyr)) in a recessive disease. (I) Legend: (SP) - Supporting pathogenic, (I) - Information, (SB) - Supporting benign

CeGaT Center for Human Genetics Tuebingen
Classification: Pathogenic. Last evaluated: 2022-11-01. Review status: criteria provided, single submitter. Criteria: CeGaT Center For Human Genetics Tuebingen Variant Classification Criteria Version 2. Collection method: clinical testing. Allele origin: germline. Affected: yes. Observed: 1 variant allele.
Comment: ITPA: PVS1, PM2, PM3

Greenwood Genetic Center Diagnostic Laboratories, Greenwood Genetic Center
Classification: Pathogenic for Developmental and epileptic encephalopathy, 35. Last evaluated: 2021-10-05. Review status: criteria provided, single submitter. Criteria: ACMG Guidelines, 2015. Collection method: clinical testing. Allele origin: germline. Affected: yes.
Comment: PVS1, PS3, PM2

Institute of Human Genetics Munich, TUM University Hospital
Classification: Pathogenic for Developmental and epileptic encephalopathy, 35. Last evaluated: 2017-12-13. Review status: criteria provided, single submitter. Criteria: Classification criteria August 2017. Collection method: clinical testing. Allele origin: inherited. Inheritance: Autosomal recessive inheritance. Affected: yes. Observed: 1 homozygote.

Equipe Genetique des Anomalies du Developpement, Université de Bourgogne
Classification: Pathogenic for Hypodontia. Review status: criteria provided, single submitter. Criteria: ACMG Guidelines, 2015. Collection method: clinical testing. Allele origin: inherited. Affected: yes.

TIDEX, University of British Columbia
Classification: Pathogenic for Developmental and epileptic encephalopathy, 35. Review status: criteria provided, single submitter. Criteria: ACMG Guidelines, 2015. Collection method: research. Allele origin: paternal. Inheritance: Autosomal recessive inheritance. Affected: yes.

OMIM
Classification: Pathogenic for DEVELOPMENTAL AND EPILEPTIC ENCEPHALOPATHY 35. Last evaluated: 2015-10-01. Review status: no assertion criteria provided. Collection method: literature only. Allele origin: germline. Not counted in ClinVar's aggregate classification.

Literature cited by the submitters: PubMed 26224535 (cited by 3 submitters); PubMed 30856165 (cited by Labcorp Genetics (formerly Invitae), Labcorp); PubMed 30542205 (cited by Victorian Clinical Genetics Services, Murdoch Childrens Research Institute); PubMed 34989426 (cited by Victorian Clinical Genetics Services, Murdoch Childrens Research Institute).

NM_033453.4(ITPA):c.359_366dup (p.Gly123fs)

Gene: ITPA (inosine triphosphatase; plus strand). Cytogenetic location: 20p13.
Variant type: Duplication.
Coding change: c.359_366dup on transcript NM_033453.4 (MANE Select); coding-DNA positions 359 to 366, 8 bases duplicated (TCAGCACC; older notation c.359_366dupTCAGCACC).
Protein change: p.Gly123fs; shifts the reading frame from glycine 123.
Molecular consequence: frameshift variant. On other transcripts: non-coding transcript variant (2).
Genome position (GRCh38, 1-based): chr20:3,218,580-3,218,587, TCAGCACC duplicated; duplicating any 8 consecutive bases within chr20:3,218,579-3,218,587 gives the same sequence; the c. name uses the placement nearest the transcript's 3' end. VCF-style (leftmost placement, unchanged base first): chr20-3218578-A-ACTCAGCAC. GRCh37 (hg19) VCF-style: chr20-3199224-A-ACTCAGCAC.
Other names: c.236_243dup, p.Gly82fs (NM_001267623.2); c.22_29dup, p.Gly11fs (NM_001324236.2, NM_001324237.2, NM_001324238.2 and 1 more transcripts); c.359_366dup, p.Gly123fs (NM_001324240.2); c.308_315dup, p.Gly106fs (NM_181493.4); c.359_366dupTCAGCACC (NM_033453.4, NM_033453.3); short protein forms G106fs, G82fs, G11fs, G123fs.
Identifiers: ClinVar variation 218091 (VCV000218091.51), dbSNP rs1407446171, ClinGen allele CA279834.
Genomic context (GRCh38, chr20:3,218,578, plus strand): 5'-TCTCCACCAGCTCCTGGCCGGGTTCGAGGACAAGTCAGCCTATGCGCTCTGCACGTTTGC[A>ACTCAGCAC]CTCAGCACCGGGGACCCAAGCCAGCCCGTGCGCCTGTTCAGGGGCCGGACCTCGGTGCGT-3'